The following is an entry in ClinVar:

ClinVar aggregate classification (germline): Likely benign (1 of 4 stars; one submission).

Allele frequency attached by ClinVar (database versions not stated): gnomAD exomes below 0.00001; gnomAD 0.00001.
gnomAD v4.1: 7 of 1,613,826 alleles (0.00043%); highest among the groups gnomAD compares: South Asian, 0.0022%; no homozygotes.

Submission:

CeGaT Center for Human Genetics Tuebingen
Classification: Likely benign. Last evaluated: 2024-05-01. Review status: criteria provided, single submitter. Criteria: CeGaT Center For Human Genetics Tuebingen Variant Classification Criteria Version 2. Collection method: clinical testing. Allele origin: germline. Affected: yes. Observed: 1 variant allele.
Comment: KNL1: BP4, BP7

NM_144508.5(KNL1):c.3060A>G (p.Glu1020=)

Gene: KNL1 (kinetochore scaffold 1; plus strand). Cytogenetic location: 15q15.1.
Variant type: single nucleotide variant.
Coding change: c.3060A>G on transcript NM_144508.5 (MANE Select); coding-DNA position 3060, A replaced by G.
Protein change: p.Glu1020=; no amino-acid change (glutamic acid 1020 retained).
Molecular consequence: synonymous variant.
Genome position (GRCh38, 1-based): chr15:40,623,324, A>G. VCF-style: chr15-40623324-A-G. GRCh37 (hg19) VCF-style: chr15-40915522-A-G.
Other names: c.3138A>G, p.Glu1046= (NM_170589.5).
Identifiers: ClinVar variation 3239278 (VCV003239278.19), dbSNP rs925591510.